The following is an entry in ClinVar:

ClinVar aggregate classification (germline): Uncertain significance. Review status: criteria provided, multiple submitters, no conflicts (2 of 4 stars). 2 submissions from 2 submitters: Uncertain significance (2). Last evaluated 2025-08-06.

Conditions:
Hereditary nonpolyposis colorectal neoplasms. Identifiers: MedGen C0009405, MeSH D003123.
Hereditary cancer-predisposing syndrome. Also called: Tumor predisposition; Hereditary neoplastic syndrome; Neoplastic Syndromes, Hereditary; Hereditary Cancer Syndrome. Identifiers: Orphanet 140162, MedGen C0027672, MeSH D009386, MONDO:0015356.

Submissions (2):

Ambry Genetics
Classification: Uncertain significance for Hereditary cancer-predisposing syndrome. Last evaluated: 2025-08-06. Review status: criteria provided, single submitter. Criteria: Ambry Variant Classification Scheme 2023. Collection method: clinical testing. Allele origin: germline.
Comment: The p.A49T variant (also known as c.145G>A), located in coding exon 2 of the PMS2 gene, results from a G to A substitution at nucleotide position 145. The alanine at codon 49 is replaced by threonine, an amino acid with similar properties. This variant was detected in an Italian cohort of 113 non-BRCA patients with a personal and/or familial history of breast cancer, ovarian cancer, and/or pancreatic cancer (Germani A et al. J Clin Med, 2020 Sep;9:). This amino acid position is highly conserved in available vertebrate species. In addition, this alteration is predicted to be deleterious by in silico analysis. Since supporting evidence is limited at this time, the clinical significance of this alteration remains unclear.

Labcorp Genetics (formerly Invitae), Labcorp
Classification: Uncertain significance for Hereditary nonpolyposis colorectal neoplasms. Last evaluated: 2023-10-28. Review status: criteria provided, single submitter. Criteria: Invitae Variant Classification Sherloc (09022015). Collection method: clinical testing. Allele origin: germline.
Comment: This sequence change replaces alanine, which is neutral and non-polar, with threonine, which is neutral and polar, at codon 49 of the PMS2 protein (p.Ala49Thr). This variant is not present in population databases (gnomAD no frequency). This variant has not been reported in the literature in individuals affected with PMS2-related conditions. ClinVar contains an entry for this variant (Variation ID: 819275). Advanced modeling of protein sequence and biophysical properties (such as structural, functional, and spatial information, amino acid conservation, physicochemical variation, residue mobility, and thermodynamic stability) performed at Invitae indicates that this missense variant is expected to disrupt PMS2 protein function with a positive predictive value of 80%. In summary, the available evidence is currently insufficient to determine the role of this variant in disease. Therefore, it has been classified as a Variant of Uncertain Significance.

Literature cited by the submitters: PubMed 32957588 (cited by Ambry Genetics).

NM_000535.7(PMS2):c.145G>A (p.Ala49Thr)

Gene: PMS2 (PMS1 homolog 2, mismatch repair system component; minus strand). Cytogenetic location: 7p22.1.
Variant type: single nucleotide variant.
Coding change: c.145G>A on transcript NM_000535.7 (MANE Select); coding-DNA position 145, G replaced by A.
Protein change: p.Ala49Thr; replaces alanine 49 with threonine.
Molecular consequence: missense variant. On other transcripts: 5 prime UTR variant (8), non-coding transcript variant (1), intron variant (3).
Genome position (GRCh38, 1-based): chr7:6,005,910, C>T on the plus strand (G>A on the coding strand, the complement: PMS2 is on the minus strand). VCF-style: chr7-6005910-C-T. GRCh37 (hg19) VCF-style: chr7-6045541-C-T.
Other names: c.-261G>A (NM_001322003.2, NM_001322005.2, NM_001322009.2 and 1 more transcripts); c.145G>A, p.Ala49Thr (NM_001322006.2, NM_001322014.2); c.-71G>A (NM_001322007.2); c.-740G>A (NM_001322011.2, NM_001322012.2); c.-340G>A (NM_001322015.2); c.-52-1852G>A (NM_001322008.2); c.-242-1852G>A (NM_001322010.2, NM_001322004.2); short protein forms A49T.
Identifiers: ClinVar variation 819275 (VCV000819275.12), dbSNP rs1583418527, ClinGen allele CA366744975.